The following is an entry in ClinVar:

ClinVar aggregate classification (germline): Pathogenic/Likely pathogenic. Review status: criteria provided, multiple submitters, no conflicts (2 of 4 stars). 3 submissions from 3 submitters: Pathogenic (1); Likely pathogenic (1). 1 of the submissions does not count toward it. Last evaluated 2017-12-22.

Conditions:
Familial hyperaldosteronism type II. Also called: FH II. Identifiers: Orphanet 404, MedGen C1854107, MONDO:0011576, OMIM 605635.

Submissions (3):

Institute of Human Genetics Munich, TUM University Hospital
Classification: Pathogenic for Familial hyperaldosteronism type II. Last evaluated: 2017-12-22. Review status: criteria provided, single submitter. Criteria: Classification criteria August 2017. Collection method: clinical testing. Allele origin: de novo. Inheritance: Autosomal dominant inheritance. Affected: yes. Observed: 1 heterozygote.

GeneDx
Classification: Likely pathogenic. Last evaluated: 2015-07-10. Review status: criteria provided, single submitter. Criteria: GeneDx Variant Classification (06012015). Collection method: clinical testing. Allele origin: germline. Affected: yes.
Comment: The G24D variant in the CLCN2 gene has not been published as a pathogenic variant, nor has it been reported as a benign polymorphism to our knowledge. The G24D variant was not observed in approximately 6500 individuals of European and African American ancestry in the NHLBI Exome Sequencing Project, indicating it is not a common benign variant in these populations. The G24D variant is a non-conservative amino acid substitution, which is likely to impact secondary protein structure as these residues differ in polarity, charge, size and/or other properties. This substitution occurs at a position that is conserved across species, and in silico analysis predicts this variant is probably damaging to the protein structure/function. The G24D variant is a strong candidate for a disease-causing variant, however the possibility it may be a rare benign variant cannot be excluded.

OMIM
Classification: Pathogenic for HYPERALDOSTERONISM, FAMILIAL, TYPE II. Last evaluated: 2018-08-10. Review status: no assertion criteria provided. Collection method: literature only. Allele origin: germline. Not counted in ClinVar's aggregate classification.

Literature cited by the submitters: PubMed 29403012 (cited by Institute of Human Genetics Munich, TUM University Hospital and OMIM).

NM_004366.6(CLCN2):c.71G>A (p.Gly24Asp)

Gene: CLCN2 (chloride voltage-gated channel 2; minus strand). Cytogenetic location: 3q27.1.
Variant type: single nucleotide variant.
Coding change: c.71G>A on transcript NM_004366.6 (MANE Select); coding-DNA position 71, G replaced by A.
Protein change: p.Gly24Asp; replaces glycine 24 with aspartic acid.
Molecular consequence: missense variant.
Genome position (GRCh38, 1-based): chr3:184,359,124, C>T on the plus strand (G>A on the coding strand, the complement: CLCN2 is on the minus strand). VCF-style: chr3-184359124-C-T. GRCh37 (hg19) VCF-style: chr3-184076912-C-T.
Other names: c.71G>A, p.Gly24Asp (NM_001171087.3, NM_001171088.3, NM_001171089.3); short protein forms G24D.
Identifiers: ClinVar variation 427066 (VCV000427066.5), dbSNP rs1085307938, ClinGen allele CA355458481.